The following is an entry in ClinVar:

ClinVar aggregate classification (germline): Pathogenic (1 of 4 stars; one submission).

Conditions:
VPS13A-related neurodegenerative disease. Also called: ACANTHOCYTOSIS WITH NEUROLOGIC DISORDER; LEVINE-CRITCHLEY SYNDROME; Choreoacanthocytosis; Chorea-acanthocytosis; Choreaacanthocytosis; VPS13A Disease. Identifiers: Orphanet 2388, MedGen C0393576, MONDO:0008695, OMIM 200150.

Submission:

Myriad Genetics, Inc.
Classification: Pathogenic for VPS13A-related neurodegenerative disease. Last evaluated: 2025-11-16. Review status: criteria provided, single submitter. Criteria: Myriad Autosomal Dominant, Autosomal Recessive and X-Linked Classification Criteria (2023). Collection method: clinical testing. Allele origin: unknown.
Comment: NM_033305.2(VPS13A):c.4020dupG(Y1341Vfs*2) is expected to be pathogenic in the context of VPS13A disease. This variant is predicted to lead to an abnormal or absent protein product due to the creation of a premature termination codon in VPS13A, a gene where loss-of-function variants are known to be pathogenic. Please note: this variant was assessed in the context of healthy population screening.

NM_033305.3(VPS13A):c.4020dup (p.Tyr1341fs)

Gene: VPS13A (vacuolar protein sorting 13 homolog A; plus strand). Cytogenetic location: 9q21.2.
Variant type: Duplication.
Coding change: c.4020dup on transcript NM_033305.3 (MANE Select); coding-DNA position 4020, one base duplicated (G; older notation c.4020dupG).
Protein change: p.Tyr1341fs; shifts the reading frame from tyrosine 1341.
Molecular consequence: frameshift variant.
Genome position (GRCh38, 1-based): chr9:77,308,004, G duplicated; the last of 2 consecutive G bases (chr9:77,308,003-77,308,004); duplicating either gives the same sequence. VCF-style (leftmost placement, unchanged base first): chr9-77308002-T-TG. GRCh37 (hg19) VCF-style: chr9-79922918-T-TG.
Other names: c.3903dup, p.Tyr1302fs (NM_001018037.2); c.4020dup, p.Tyr1341fs (NM_001018038.3, NM_015186.4); short protein forms Y1302fs, Y1341fs.
Identifiers: ClinVar variation 5015227 (VCV005015227.1).
Genomic context (GRCh38, chr9:77,308,002, plus strand): 5'-CAGTTCATTCTTAGTCAAGAAGATATAACAACTATTTTTAAAACATTGCATGGCAATATA[T>TG]GGTATGAAAAAGATGGTAGTGCCTCACCTGCTGTAACAAAAGACCAATACAGTGCCACTA-3'